The following is an entry in ClinVar:

ClinVar aggregate classification (germline): Benign (1 of 4 stars; one submission).

Conditions:
Weill-Marchesani 4 syndrome, recessive. Also called: Weill-Marchesani syndrome 4. Identifiers: Orphanet 363992, MedGen C2750787, MONDO:0013176, OMIM 613195.

Allele frequency attached by ClinVar (database versions not stated): gnomAD 0.01381; 1000 Genomes Project 0.01478; 1000 Genomes Project 30x 0.01546; TOPMed 0.01739.

Submission:

Illumina Laboratory Services, Illumina
Classification: Benign for Weill-Marchesani 4 syndrome, recessive. Last evaluated: 2018-01-13. Review status: criteria provided, single submitter. Criteria: ICSL Variant Classification Criteria 13 December 2019. Collection method: clinical testing. Allele origin: germline.
Comment: This variant was observed in the ICSL laboratory as part of a predisposition screen in an ostensibly healthy population. It had not been previously curated by ICSL or reported in the Human Gene Mutation Database (HGMD: prior to June 1st, 2018), and was therefore a candidate for classification through an automated scoring system. Utilizing variant allele frequency, disease prevalence and penetrance estimates, and inheritance mode, an automated score was calculated to assess if this variant is too frequent to cause the disease. Based on the score and internal cut-off values, a variant classified as benign is not then subjected to further curation. The score for this variant resulted in a classification of benign for this disease.

NM_139057.4(ADAMTS17):c.*2227G>A

Gene: ADAMTS17 (ADAM metallopeptidase with thrombospondin type 1 motif 17; minus strand). Cytogenetic location: 15q26.3.
Variant type: single nucleotide variant.
Coding change: c.*2227G>A on transcript NM_139057.4 (MANE Select); 2227 bases downstream of the stop codon, G replaced by A.
Molecular consequence: 3 prime UTR variant.
Genome position (GRCh38, 1-based): chr15:99,972,175, C>T on the plus strand (G>A on the coding strand, the complement: ADAMTS17 is on the minus strand). VCF-style: chr15-99972175-C-T. GRCh37 (hg19) VCF-style: chr15-100512380-C-T.
Identifiers: ClinVar variation 315156 (VCV000315156.5), dbSNP rs8041553, ClinGen allele CA10647626.
Genomic context (GRCh38, chr15:99,972,175, plus strand): 5'-GTGGTGGGCGCCTGTAGTCCCAGCTACTGGGGAGGGTGAGGCAGAAGAATGGCCTGAACC[C>T]GGGAGGCGGAGCTTTCAATGAGCTGAGATCGCGCCACTGCACTCCAGCCTGGGCAACAGA-3'